The following is an entry in ClinVar:

NM_022455.5(NSD1):c.5618_5619del (p.Ile1873fs)

Gene: NSD1 (nuclear receptor binding SET domain protein 1; plus strand). Cytogenetic location: 5q35.3.
Variant type: Microsatellite.
Coding change: c.5618_5619del on transcript NM_022455.5 (MANE Select); coding-DNA positions 5618 to 5619, 2 bases deleted (TA; older notation c.5618_5619delTA).
Protein change: p.Ile1873fs; shifts the reading frame from isoleucine 1873.
Molecular consequence: frameshift variant.
Genome position (GRCh38, 1-based): chr5:177,273,780-177,273,781, TA deleted; deleting any 2 consecutive bases within chr5:177,273,777-177,273,781 gives the same sequence; the c. name uses the placement nearest the transcript's 3' end. VCF-style (leftmost placement, unchanged base first): chr5-177273776-CAT-C. GRCh37 (hg19) VCF-style: chr5-176700777-CAT-C.
Other names: c.5618_5619delTA (NM_022455.4); c.4743_4744TA[1], p.Ile1582Lysfs (NM_001365684.2, NM_001409308.1, NM_001409309.1 and 1 more transcripts); c.5616_5617TA[1], p.Ile1873Lysfs (NM_001409301.1, NM_001409302.1, NM_001409303.1); c.5196_5197TA[1], p.Ile1733Lysfs (NM_001409304.1); c.4863_4864TA[1], p.Ile1622Lysfs (NM_001409305.1); c.4854_4855TA[1], p.Ile1619Lysfs (NM_001409306.1, NM_001409307.1); short protein forms I1604fs, I1873fs.
Identifiers: ClinVar variation 159373 (VCV000159373.15), dbSNP rs587784152, ClinGen allele CA294972.

ClinVar aggregate classification (germline): Pathogenic. Review status: criteria provided, multiple submitters, no conflicts (2 of 4 stars). 5 submissions from 5 submitters: Pathogenic (5). Last evaluated 2021-07-18.

Conditions:
Sotos syndrome (SOTOS). Also called: Distinctive facial appearance, overgrowth in childhood, and learning disabilities or delayed development; CEREBRAL GIGANTISM; Sotos' syndrome; CHROMOSOME 5q35 DELETION SYNDROME; SOTOS SYNDROME 1. Identifiers: Orphanet 821, MedGen C0175695, MONDO:0019349, OMIM 117550.
NSD1-related disorder. Also called: NSD1-related condition.

Submissions (5):

Labcorp Genetics (formerly Invitae), Labcorp
Classification: Pathogenic. Last evaluated: 2021-07-18. Review status: criteria provided, single submitter. Criteria: Invitae Variant Classification Sherloc (09022015). Collection method: clinical testing. Allele origin: germline.
Comment: This variant is also known as 5615delAT. For these reasons, this variant has been classified as Pathogenic. ClinVar contains an entry for this variant (Variation ID: 159373). This premature translational stop signal has been observed in individual(s) with clinical features of Sotos syndrome (PMID: 15942875). This variant is not present in population databases (ExAC no frequency). This sequence change creates a premature translational stop signal (p.Ile1873Lysfs*18) in the NSD1 gene. It is expected to result in an absent or disrupted protein product. Loss-of-function variants in NSD1 are known to be pathogenic (PMID: 12464997, 14571271, 15942875, 16247291).

Genome-Nilou Lab
Classification: Pathogenic for Sotos syndrome. Last evaluated: 2021-07-15. Review status: criteria provided, single submitter. Criteria: ACMG Guidelines, 2015. Collection method: clinical testing. Allele origin: germline. Affected: no.

Blueprint Genetics
Classification: Pathogenic for NSD1-related disorders. Last evaluated: 2020-10-28. Review status: criteria provided, single submitter. Criteria: ACMG Guidelines, 2015. Collection method: clinical testing. Allele origin: germline. Affected: yes. Observed: 1 variant allele.

GeneDx
Classification: Pathogenic. Last evaluated: 2015-06-04. Review status: criteria provided, single submitter. Criteria: GeneDx Variant Classification (06012015). Collection method: clinical testing. Allele origin: germline. Affected: yes.
Comment: The c.5618_5619delTA deletion in the NSD1 gene has been reported previously inassociation with Sotos Syndrome using alternative nomenclature (Tatton-Brown et al.,2005). The deletion causes a frameshift starting with codon Isoleucine 1873, changes this amino acid to a Lysine residue andcreates a premature Stop codon at position 18 of the new reading frame, denotedp.Ile1873LysfsX18. This variant is predicted to cause loss of normal protein functioneither through protein truncation or nonsense-mediated mRNA decay. Therefore, we interpret this variant as pathogenic.

Genetic Services Laboratory, University of Chicago
Classification: Pathogenic for Sotos syndrome 1. Last evaluated: 2013-02-08. Review status: criteria provided, single submitter. Criteria: ACMG Guidelines, 2007. Collection method: clinical testing. Allele origin: germline. Inheritance: Autosomal dominant inheritance. Affected: yes.

Literature cited by the submitters: PubMed 15942875 (cited by Labcorp Genetics (formerly Invitae), Labcorp); PubMed 12464997 (cited by Labcorp Genetics (formerly Invitae), Labcorp); PubMed 14571271 (cited by Labcorp Genetics (formerly Invitae), Labcorp); PubMed 16247291 (cited by Labcorp Genetics (formerly Invitae), Labcorp).